The following is an entry in ClinVar:

NM_001377.3(DYNC2H1):c.11287G>A (p.Ala3763Thr)

Gene: DYNC2H1 (dynein cytoplasmic 2 heavy chain 1; plus strand). Cytogenetic location: 11q22.3.
Variant type: single nucleotide variant.
Coding change: c.11287G>A on transcript NM_001377.3 (MANE Select); coding-DNA position 11287, G replaced by A.
Protein change: p.Ala3763Thr; replaces alanine 3763 with threonine.
Molecular consequence: missense variant.
Genome position (GRCh38, 1-based): chr11:103,304,625, G>A. VCF-style: chr11-103304625-G-A. GRCh37 (hg19) VCF-style: chr11-103175354-G-A.
Other names: c.11308G>A, p.Ala3770Thr (NM_001080463.2); short protein forms A3770T, A3763T.
Identifiers: ClinVar variation 302109 (VCV000302109.11), dbSNP rs780426783, ClinGen allele CA6255220.

ClinVar aggregate classification (germline): Uncertain significance. Review status: criteria provided, multiple submitters, no conflicts (2 of 4 stars). 6 submissions from 6 submitters: Uncertain significance (5). 1 of the submissions does not count toward it. Last evaluated 2025-05-09.

Conditions:
Retinal dystrophy. Also called: Inherited retinal dystrophy. Identifiers: Orphanet 71862, MedGen C0854723, MeSH D058499, MONDO:0019118, HP:0000556.
Jeune thoracic dystrophy. Also called: Infantile thoracic dystrophy; Thoracic pelvic phalangeal dystrophy; Jeune's syndrome; Chondroectodermal dysplasia-like syndrome; Short-rib thoracic dysplasia; Jeune syndrome. Identifiers: Orphanet 474, MedGen C0265275, MONDO:0018770.
Asphyxiating thoracic dystrophy 3. Also called: SHORT-RIB THORACIC DYSPLASIA 3 WITH OR WITHOUT POLYDACTYLY; POLYDACTYLY WITH NEONATAL CHONDRODYSTROPHY, TYPE I; SHORT-RIB THORACIC DYSPLASIA 3/6 WITH POLYDACTYLY, DIGENIC; Short rib polydactyly syndrome 2B; Saldino-Noonan Syndrome. Identifiers: Orphanet 474, Orphanet 93269, Orphanet 93270, Orphanet 93271, MedGen C0036069, MONDO:0013127, OMIM 613091.

Allele frequency attached by ClinVar (database versions not stated): gnomAD 0.00007; TOPMed 0.00008; gnomAD exomes 0.00003 and 0.00006; ExAC 0.00007.
gnomAD v4.1: 61 of 1,612,968 alleles (0.0038%); highest among the groups gnomAD compares: Admixed American, 0.01%; no homozygotes.

Submissions (6):

GeneDx
Classification: Uncertain significance. Last evaluated: 2025-05-09. Review status: criteria provided, single submitter. Criteria: GeneDx Variant Classification Process June 2021. Collection method: clinical testing. Allele origin: germline. Affected: yes.
Comment: Reported as c.11287G>A with a likely benign variant in two identical twin siblings with short stature, narrow rib cage, bilateral hexadactyly, dysplastic nails, dental anomalies, patent ductus arteriosus, and partial atrioventricular canal (PMID: 36599940); In silico analysis supports that this missense variant has a deleterious effect on protein structure/function; This variant is associated with the following publications: (PMID: 36599940)

Blueprint Genetics
Classification: Uncertain significance. Last evaluated: 2024-09-24. Review status: criteria provided, single submitter. Criteria: ACMG Guidelines, 2015. Collection method: clinical testing. Allele origin: germline.

Department of Pathology and Laboratory Medicine, Sinai Health System
Classification: Uncertain significance for asphyxiating thoracic dystrophy 3. Last evaluated: 2023-04-06. Review status: criteria provided, single submitter. Criteria: ACMG Guidelines, 2015. Collection method: research. Allele origin: germline.

Labcorp Genetics (formerly Invitae), Labcorp
Classification: Uncertain significance for Jeune thoracic dystrophy. Last evaluated: 2022-08-08. Review status: criteria provided, single submitter. Criteria: Invitae Variant Classification Sherloc (09022015). Collection method: clinical testing. Allele origin: germline.
Comment: This sequence change replaces alanine, which is neutral and non-polar, with threonine, which is neutral and polar, at codon 3770 of the DYNC2H1 protein (p.Ala3770Thr). This variant is present in population databases (rs780426783, gnomAD 0.03%). This variant has not been reported in the literature in individuals affected with DYNC2H1-related conditions. ClinVar contains an entry for this variant (Variation ID: 302109). Advanced modeling of protein sequence and biophysical properties (such as structural, functional, and spatial information, amino acid conservation, physicochemical variation, residue mobility, and thermodynamic stability) performed at Invitae indicates that this missense variant is expected to disrupt DYNC2H1 protein function. In summary, the available evidence is currently insufficient to determine the role of this variant in disease. Therefore, it has been classified as a Variant of Uncertain Significance.

Illumina Laboratory Services, Illumina
Classification: Uncertain significance for Asphyxiating thoracic dystrophy 3. Last evaluated: 2018-01-13. Review status: criteria provided, single submitter. Criteria: ICSL Variant Classification Criteria 13 December 2019. Collection method: clinical testing. Allele origin: germline.

Institute of Human Genetics, Univ. Regensburg, Univ. Regensburg
Classification: Uncertain significance for Retinal dystrophy. Last evaluated: 2022-01-01. Review status: no assertion criteria provided. Criteria: ACMG Guidelines, 2015. Collection method: clinical testing. Allele origin: germline. Affected: yes. Not counted in ClinVar's aggregate classification.